The following is an entry in ClinVar:

ClinVar aggregate classification (germline): Uncertain significance (1 of 4 stars; one submission).

Allele frequency attached by ClinVar (database versions not stated): gnomAD exomes below 0.00001; TOPMed 0.00002.
gnomAD v4.1: 4 of 1,187,349 alleles (0.00034%); highest among the groups gnomAD compares: Admixed American, 0.0087%; no homozygotes.

Submission:

Labcorp Genetics (formerly Invitae), Labcorp
Classification: Uncertain significance. Last evaluated: 2025-04-01. Review status: criteria provided, single submitter. Criteria: Invitae Variant Classification Sherloc (09022015). Collection method: clinical testing. Allele origin: germline.
Comment: This sequence change replaces lysine, which is basic and polar, with glutamine, which is neutral and polar, at codon 466 of the PHEX protein (p.Lys466Gln). This variant is present in population databases (no rsID available, gnomAD 0.008%). This variant has not been reported in the literature in individuals affected with PHEX-related conditions. ClinVar contains an entry for this variant (Variation ID: 2843211). An algorithm developed to predict the effect of missense changes on protein structure and function outputs the following: PolyPhen-2: "Benign". The glutamine amino acid residue is found in multiple mammalian species, which suggests that this missense change does not adversely affect protein function. In summary, the available evidence is currently insufficient to determine the role of this variant in disease. Therefore, it has been classified as a Variant of Uncertain Significance.

NM_000444.6(PHEX):c.1396A>C (p.Lys466Gln)

Gene: PHEX (phosphate regulating endopeptidase X-linked; plus strand). Cytogenetic location: Xp22.11.
Variant type: single nucleotide variant.
Coding change: c.1396A>C on transcript NM_000444.6 (MANE Select); coding-DNA position 1396, A replaced by C.
Protein change: p.Lys466Gln; replaces lysine 466 with glutamine.
Molecular consequence: missense variant.
Genome position (GRCh38, 1-based): chrX:22,133,616, A>C. VCF-style: chrX-22133616-A-C. GRCh37 (hg19) VCF-style: chrX-22151733-A-C.
Other names: c.1396A>C, p.Lys466Gln (NM_001282754.2); short protein forms K466Q.
Identifiers: ClinVar variation 2843211 (VCV002843211.3), dbSNP rs898161591, ClinGen allele CA327525254.
Genomic context (GRCh38, chrX:22,133,616, plus strand): 5'-TTTATTGACATGCTAGAGAAAGAAAATGAGTGGATGGATGCAGGAACGAAAAGGAAAGCC[A>C]AAGAAAAGGTAAGGATTCCTTTTGATGAAAAAAAAATAAGACTTCTGGTTTAATGGATGT-3'
Protein context (NP_000435.3, residues 456-476): WMDAGTKRKA[Lys466Gln]EKARAVLAKV